The following is an entry in ClinVar:

ClinVar aggregate classification (germline): Uncertain significance (1 of 4 stars; one submission).

Conditions:
Charcot-Marie-Tooth disease type 4. Also called: Charcot-Marie-Tooth disease, type IV; Charcot-Marie-Tooth, Type 4. Identifiers: Orphanet 64749, MedGen C4082197, MONDO:0018995.

Submission:

Labcorp Genetics (formerly Invitae), Labcorp
Classification: Uncertain significance for Charcot-Marie-Tooth disease type 4. Last evaluated: 2023-11-14. Review status: criteria provided, single submitter. Criteria: Invitae Variant Classification Sherloc (09022015). Collection method: clinical testing. Allele origin: germline.
Comment: This variant, c.1404_1481del, results in the deletion of 26 amino acid(s) of the PRX protein (p.Glu495_Val520del), but otherwise preserves the integrity of the reading frame. This variant is not present in population databases (gnomAD no frequency). This variant has been observed in individual(s) with suspected Charcot-Marie-Tooth disease (PMID: 32376792). Experimental studies and prediction algorithms are not available or were not evaluated, and the functional significance of this variant is currently unknown. In summary, the available evidence is currently insufficient to determine the role of this variant in disease. Therefore, it has been classified as a Variant of Uncertain Significance.

Literature cited by the submitters: PubMed 32376792.

NM_181882.3(PRX):c.1404_1481del (p.469ELPKVSEMKLPKVPEMAVPEVRLPEV[1])

Gene: PRX (periaxin; minus strand). Cytogenetic location: 19q13.2.
Variant type: Deletion.
Coding change: c.1404_1481del on transcript NM_181882.3 (MANE Select); coding-DNA positions 1404 to 1481, 78 bases deleted.
Protein change: p.469ELPKVSEMKLPKVPEMAVPEVRLPEV[1].
Molecular consequence: inframe deletion. On other transcripts: 3 prime UTR variant (1).
Genome position (GRCh38, 1-based): chr19:40,396,871-40,396,948, 78 bases deleted. GRCh37 (hg19): chr19:40,902,786-40,902,863.
Other names: c.1689_1766del, p.564ELPKVSEMKLPKVPEMAVPEVRLPEV[1] (NM_001411127.1); c.*1609_*1686del (NM_020956.2).
Identifiers: ClinVar variation 2779576 (VCV002779576.2), dbSNP rs2514806627, ClinGen allele CA2739276804.